The following is an entry in ClinVar:

ClinVar aggregate classification (germline): Likely benign. Review status: reviewed by expert panel (3 of 4 stars). 3 submissions from 3 submitters: Likely benign (1). 2 of the submissions do not count toward it. Last evaluated 2023-07-25.

Conditions:
SERPINC1-related disorder. Also called: SERPINC1-related condition.
Hereditary antithrombin deficiency (AT3D). Also called: Reduced antithrombin III activity; Antithrombin deficiency; Antithrombin III deficiency; Thrombophilia due to antithrombin III deficiency. Identifiers: Orphanet 82, MedGen C0272375, MONDO:0013144, OMIM 613118, HP:0001976.

Allele frequency attached by ClinVar (database versions not stated): TOPMed 0.00003; gnomAD 0.00005 and 0.00007; gnomAD exomes 0.00008 and 0.00009; ExAC 0.00012; ESP Exome Variant Server 0.00015; 1000 Genomes Project 0.00040; 1000 Genomes Project 30x 0.00047.
gnomAD v4.1: 139 of 1,613,012 alleles (0.0086%); highest among the groups gnomAD compares: South Asian, 0.047%; no homozygotes.

Submissions (3):

Clingen Thrombosis Variant Curation Expert Panel, ClinGen
Classification: Likely benign for Hereditary antithrombin deficiency. Last evaluated: 2023-07-25. Review status: reviewed by expert panel. Criteria: ClinGen ACMG Specifications SERPINC1 V1.0.0. Collection method: curation. Allele origin: germline. Inheritance: Autosomal dominant inheritance.
Comment: The NM_000488.4(SERPINC1):c.1154-5T>C variant is an intronic change that has a frequency of 0.03% in South Asians with 11 alleles (gnomAD v2.1.1). No splicing disruption prediction is noted per SpliceAI and varSEAK, but the nucleotide may be moderately conserved. In summary, this variant meets criteria to be classified as likely benign. ACMG/AMP criteria applied, as specified by the Thrombosis Variant Curation Expert Panel for SERPINC1: BS1, BP4.

Labcorp Genetics (formerly Invitae), Labcorp
Classification: Benign for Hereditary antithrombin deficiency. Last evaluated: 2026-01-19. Review status: criteria provided, single submitter. Criteria: Invitae Variant Classification Sherloc (09022015). Collection method: clinical testing. Allele origin: germline. Not counted in ClinVar's aggregate classification.

PreventionGenetics, part of Exact Sciences
Classification: Likely benign for SERPINC1-related condition. Last evaluated: 2024-12-08. Review status: criteria provided, single submitter. Criteria: ACMG Guidelines, 2015. Collection method: clinical testing. Allele origin: germline. Not counted in ClinVar's aggregate classification.
Comment: This variant is classified as likely benign based on ACMG/AMP sequence variant interpretation guidelines (Richards et al. 2015 PMID: 25741868, with internal and published modifications).

NM_000488.4(SERPINC1):c.1154-5T>C

Gene: SERPINC1 (serpin family C member 1; minus strand). Cytogenetic location: 1q25.1.
Variant type: single nucleotide variant.
Coding change: c.1154-5T>C on transcript NM_000488.4 (MANE Select); 5 bases into the intron before coding-DNA position 1154, T replaced by C.
Molecular consequence: intron variant.
Genome position (GRCh38, 1-based): chr1:173,907,519, A>G on the plus strand (T>C on the coding strand, the complement: SERPINC1 is on the minus strand). VCF-style: chr1-173907519-A-G. GRCh37 (hg19) VCF-style: chr1-173876657-A-G.
Other names: c.1235-5T>C (NM_001386303.1); c.938-5T>C (NM_001386306.1); c.1133-5T>C (NM_001386304.1); c.1097-5T>C (NM_001386305.1); c.1277-5T>C (NM_001386302.1); c.1010-5T>C (NM_001365052.2).
Identifiers: ClinVar variation 215473 (VCV000215473.9), dbSNP rs375346550, ClinGen allele CA335750.